The following is an entry in ClinVar:

ClinVar aggregate classification (germline): Uncertain significance (1 of 4 stars; one submission).

Allele frequency attached by ClinVar (database versions not stated): gnomAD exomes below 0.00001 and 0.00001.
gnomAD v4.1: 4 of 1,613,934 alleles (0.00025%); highest among the groups gnomAD compares: East Asian, 0.0089%; no homozygotes.

Submission:

Labcorp Genetics (formerly Invitae), Labcorp
Classification: Uncertain significance. Last evaluated: 2024-10-29. Review status: criteria provided, single submitter. Criteria: Invitae Variant Classification Sherloc (09022015). Collection method: clinical testing. Allele origin: germline.
Comment: This sequence change replaces proline, which is neutral and non-polar, with leucine, which is neutral and non-polar, at codon 209 of the ADAM9 protein (p.Pro209Leu). This variant is present in population databases (no rsID available, gnomAD 0.006%). This variant has not been reported in the literature in individuals affected with ADAM9-related conditions. ClinVar contains an entry for this variant (Variation ID: 1392196). Invitae Evidence Modeling of protein sequence and biophysical properties (such as structural, functional, and spatial information, amino acid conservation, physicochemical variation, residue mobility, and thermodynamic stability) indicates that this missense variant is not expected to disrupt ADAM9 protein function with a negative predictive value of 80%. In summary, the available evidence is currently insufficient to determine the role of this variant in disease. Therefore, it has been classified as a Variant of Uncertain Significance.

NM_003816.3(ADAM9):c.626C>T (p.Pro209Leu)

Gene: ADAM9 (ADAM metallopeptidase domain 9; plus strand). Cytogenetic location: 8p11.22.
Variant type: single nucleotide variant.
Coding change: c.626C>T on transcript NM_003816.3 (MANE Select); coding-DNA position 626, C replaced by T.
Protein change: p.Pro209Leu; replaces proline 209 with leucine.
Molecular consequence: missense variant. On other transcripts: non-coding transcript variant (3).
Genome position (GRCh38, 1-based): chr8:39,018,872, C>T. VCF-style: chr8-39018872-C-T. GRCh37 (hg19) VCF-style: chr8-38876391-C-T.
Other names: short protein forms P209L.
Identifiers: ClinVar variation 1392196 (VCV001392196.6), dbSNP rs1344540786, ClinGen allele CA370753701.